The following is an entry in ClinVar:

NM_000388.4(CASR):c.215A>C (p.Gln72Pro)

Gene: CASR (calcium sensing receptor; plus strand). Cytogenetic location: 3q21.1.
Variant type: single nucleotide variant.
Coding change: c.215A>C on transcript NM_000388.4 (MANE Select); coding-DNA position 215, A replaced by C.
Protein change: p.Gln72Pro; replaces glutamine 72 with proline.
Molecular consequence: missense variant.
Genome position (GRCh38, 1-based): chr3:122,257,110, A>C. VCF-style: chr3-122257110-A-C. GRCh37 (hg19) VCF-style: chr3-121975957-A-C.
Other names: c.215A>C, p.Gln72Pro (NM_001178065.2); short protein forms Q72P.
Identifiers: ClinVar variation 4890889 (VCV004890889.1).

ClinVar aggregate classification (germline): Likely pathogenic (1 of 4 stars; one submission).

Conditions:
Familial hyperparathyroidism or Hypocalciuric hypercalcaemia.

Submission:

Cambridge Genomics Laboratory, East Genomic Laboratory Hub, NHS Genomic Medicine Service
Classification: Likely pathogenic for Familial hyperparathyroidism or Hypocalciuric hypercalcaemia. Last evaluated: 2026-09-08. Review status: criteria provided, single submitter. Criteria: ACGS Best Practice Guidelines for Variant Classification in Rare Disease 2020. Collection method: clinical testing. Allele origin: germline. Affected: yes.
Comment: PM2,PP2,PP3,PP4